The following is an entry in ClinVar:

NM_020338.4(ZMIZ1):c.956C>A (p.Pro319Gln)

Gene: ZMIZ1 (zinc finger MIZ-type containing 1; plus strand). Cytogenetic location: 10q22.3.
Variant type: single nucleotide variant.
Coding change: c.956C>A on transcript NM_020338.4 (MANE Select); coding-DNA position 956, C replaced by A.
Protein change: p.Pro319Gln; replaces proline 319 with glutamine.
Molecular consequence: missense variant.
Genome position (GRCh38, 1-based): chr10:79,292,355, C>A. VCF-style: chr10-79292355-C-A. GRCh37 (hg19) VCF-style: chr10-81052112-C-A.
Other names: short protein forms P319Q.
Identifiers: ClinVar variation 4746717 (VCV004746717.1).

ClinVar aggregate classification (germline): Uncertain significance (1 of 4 stars; one submission).

Submission:

Labcorp Genetics (formerly Invitae), Labcorp
Classification: Uncertain significance. Last evaluated: 2025-06-05. Review status: criteria provided, single submitter. Criteria: Invitae Variant Classification Sherloc (09022015). Collection method: clinical testing. Allele origin: germline.
Comment: This sequence change replaces proline, which is neutral and non-polar, with glutamine, which is neutral and polar, at codon 319 of the ZMIZ1 protein (p.Pro319Gln). This variant is not present in population databases (gnomAD no frequency). This variant has not been reported in the literature in individuals affected with ZMIZ1-related conditions. Invitae Evidence Modeling of protein sequence and biophysical properties (such as structural, functional, and spatial information, amino acid conservation, physicochemical variation, residue mobility, and thermodynamic stability) indicates that this missense variant is not expected to disrupt ZMIZ1 protein function with a negative predictive value of 95%. In summary, the available evidence is currently insufficient to determine the role of this variant in disease. Therefore, it has been classified as a Variant of Uncertain Significance.